The following is an entry in ClinVar:

ClinVar aggregate classification (germline): Uncertain significance (1 of 4 stars; one submission).

Conditions:
Intellectual developmental disorder with hypotonia, impaired speech, and dysmorphic facies (IDDHISD). Identifiers: MedGen C5561997, MONDO:0859197, OMIM 619556.

Submission:

Victorian Clinical Genetics Services, Murdoch Childrens Research Institute
Classification: Uncertain significance for Intellectual developmental disorder with hypotonia, impaired speech, and dysmorphic facies. Last evaluated: 2026-06-29. Review status: criteria provided, single submitter. Criteria: ACMG Guidelines, 2015. Collection method: clinical testing. Allele origin: germline. Affected: yes.
Comment: This variant is classified as VUS-3A. Evidence in support of pathogenic classification: Variant is absent from gnomAD (v2, v3 and v4); Missense variant in a region that is highly intolerant to missense variation (high constraint region in DECIPHER); Missense variant predicted to be damaging by in silico tool(s) or highly conserved with a major amino acid change. Additional information: Variant is predicted to result in a missense amino acid change from Asp to Asn; This variant is heterozygous; This gene is associated with autosomal dominant disease; This variant has no previous evidence of pathogenicity; No published evidence of segregation with disease has been identified for this variant; No published functional evidence has been identified for this variant; No comparable missense variants have previous evidence for pathogenicity; The mechanism of disease for this gene is not clearly established. Loss and gain of function have both been suggested for different missense variants (PMID: 34314705). - Inheritance information for this variant is not currently available in this individual.

Literature cited by the submitters: PubMed 34314705.

NM_001382241.1(TNPO2):c.1462G>A (p.Asp488Asn)

Gene: TNPO2 (transportin 2; minus strand). Cytogenetic location: 19p13.13.
Variant type: single nucleotide variant.
Coding change: c.1462G>A on transcript NM_001382241.1 (MANE Select); coding-DNA position 1462, G replaced by A.
Protein change: p.Asp488Asn; replaces aspartic acid 488 with asparagine.
Molecular consequence: missense variant. On other transcripts: non-coding transcript variant (6).
Genome position (GRCh38, 1-based): chr19:12,706,604, C>T on the plus strand (G>A on the coding strand, the complement: TNPO2 is on the minus strand). VCF-style: chr19-12706604-C-T. GRCh37 (hg19) VCF-style: chr19-12817418-C-T.
Other names: c.1462G>A, p.Asp488Asn (NM_001136195.2, NM_001136196.2, NM_001382236.1 and 7 more transcripts); short protein forms D488N.
Identifiers: ClinVar variation 4879664 (VCV004879664.1).